The following is an entry in ClinVar:

ClinVar aggregate classification (germline): Likely benign. Review status: criteria provided, multiple submitters, no conflicts (2 of 4 stars). 2 submissions from 2 submitters: Likely benign (2). Last evaluated 2025-09-01.

Conditions:
Inborn genetic diseases. Identifiers: MedGen C0950123, MeSH D030342.

gnomAD v4.1: 354 of 1,613,004 alleles (0.022%); highest among the groups gnomAD compares: Non-Finnish European, 0.028%; no homozygotes.

Submissions (2):

CeGaT Center for Human Genetics Tuebingen
Classification: Likely benign. Last evaluated: 2025-09-01. Review status: criteria provided, single submitter. Criteria: CeGaT Center For Human Genetics Tuebingen Variant Classification Criteria Version 2. Collection method: clinical testing. Allele origin: germline. Affected: yes. Observed: 2 variant alleles.
Comment: CDC42BPB: BP4

Ambry Genetics
Classification: Likely benign for Inborn genetic diseases. Last evaluated: 2025-06-11. Review status: criteria provided, single submitter. Criteria: Ambry Variant Classification Scheme 2023. Collection method: clinical testing. Allele origin: germline.

NM_006035.4(CDC42BPB):c.4003A>G (p.Thr1335Ala)

Gene: CDC42BPB (CDC42 binding protein kinase beta; minus strand). Cytogenetic location: 14q32.32.
Variant type: single nucleotide variant.
Coding change: c.4003A>G on transcript NM_006035.4 (MANE Select); coding-DNA position 4003, A replaced by G.
Protein change: p.Thr1335Ala; replaces threonine 1335 with alanine.
Molecular consequence: missense variant.
Genome position (GRCh38, 1-based): chr14:102,944,296, T>C on the plus strand (A>G on the coding strand, the complement: CDC42BPB is on the minus strand). VCF-style: chr14-102944296-T-C. GRCh37 (hg19) VCF-style: chr14-103410633-T-C.
Other names: c.3925A>G, p.Thr1309Ala (NM_001411054.1); short protein forms T1309A, T1335A.
Identifiers: ClinVar variation 3998545 (VCV003998545.9).
Genomic context (GRCh38, chr14:102,944,296, plus strand): 5'-AGCAAAGGATCAGCCGTTTCACGGCCACAAACAGGCAGGTGCCAGAGTTCCTCTTGAGTG[T>C]GGCCGTGGCCATGAGCTGGCAGCCTTTGGTTTCCGGAAGCTTGATGTCAAAGCTGCCTTC-3'
Protein context (NP_006026.3, residues 1325-1345): TKGCQLMATA[Thr1335Ala]LKRNSGTCLF